The following is an entry in ClinVar:

ClinVar aggregate classification (germline): Conflicting classifications of pathogenicity. Review status: criteria provided, conflicting classifications (1 of 4 stars). 4 submissions from 4 submitters: Uncertain significance (2); Benign (1); Likely benign (1). Last evaluated 2025-12-05.

Conditions:
Kabuki syndrome 1 (KABUK1). Also called: KMT2D-Related Kabuki Syndrome. Identifiers: Orphanet 2322, MedGen CN030661, MONDO:0007843, OMIM 147920.
Choanal atresia-athelia-hypothyroidism-delayed puberty-short stature syndrome (BCAHH). Also called: BRANCHIAL ARCH ABNORMALITIES, CHOANAL ATRESIA, ATHELIA, HEARING LOSS, AND HYPOTHYROIDISM SYNDROME. Identifiers: Orphanet 589856, MedGen C5680310, MONDO:0035651, OMIM 620186.
KMT2D-related disorder. Also called: KMT2D-Related Disorders.
Kabuki syndrome. Also called: Kabuki make-up syndrome; NIIKAWA-KUROKI SYNDROME. Identifiers: Orphanet 2322, MedGen C0796004, MONDO:0016512.

Allele frequency attached by ClinVar (database versions not stated): gnomAD exomes below 0.00001 and 0.00001; ExAC 0.00003; gnomAD 0.00003 and 0.00004; TOPMed 0.00003; ESP Exome Variant Server 0.00008.
gnomAD v4.1: 12 of 1,580,466 alleles (0.00076%); highest among the groups gnomAD compares: African/African-American, 0.0081%; no homozygotes.

Submissions (4):

Labcorp Genetics (formerly Invitae), Labcorp
Classification: Benign for Kabuki syndrome. Last evaluated: 2025-12-05. Review status: criteria provided, single submitter. Criteria: Invitae Variant Classification Sherloc (09022015). Collection method: clinical testing. Allele origin: germline.

PreventionGenetics, part of Exact Sciences
Classification: Likely benign for KMT2D-related condition. Last evaluated: 2025-01-03. Review status: criteria provided, single submitter. Criteria: ACMG Guidelines, 2015. Collection method: clinical testing. Allele origin: germline.
Comment: This variant is classified as likely benign based on ACMG/AMP sequence variant interpretation guidelines (Richards et al. 2015 PMID: 25741868, with internal and published modifications).

Fulgent Genetics
Classification: Uncertain significance for Kabuki syndrome 1; Choanal atresia-athelia-hypothyroidism-delayed puberty-short stature syndrome. Last evaluated: 2024-04-16. Review status: criteria provided, single submitter. Criteria: ACMG Guidelines, 2015. Collection method: clinical testing. Allele origin: germline.

GeneDx
Classification: Uncertain significance. Last evaluated: 2021-10-14. Review status: criteria provided, single submitter. Criteria: GeneDx Variant Classification Process June 2021. Collection method: clinical testing. Allele origin: germline. Affected: yes.
Comment: In silico analysis supports that this missense variant does not alter protein structure/function; Has not been previously published as pathogenic or benign to our knowledge

NM_003482.4(KMT2D):c.12893C>T (p.Thr4298Ile)

Gene: KMT2D (lysine methyltransferase 2D; minus strand). Cytogenetic location: 12q13.12.
Variant type: single nucleotide variant.
Coding change: c.12893C>T on transcript NM_003482.4 (MANE Select); coding-DNA position 12893, C replaced by T.
Protein change: p.Thr4298Ile; replaces threonine 4298 with isoleucine.
Molecular consequence: missense variant.
Genome position (GRCh38, 1-based): chr12:49,031,812, G>A on the plus strand (C>T on the coding strand, the complement: KMT2D is on the minus strand). VCF-style: chr12-49031812-G-A. GRCh37 (hg19) VCF-style: chr12-49425595-G-A.
Other names: short protein forms T4298I.
Identifiers: ClinVar variation 1364395 (VCV001364395.12), dbSNP rs377128722, ClinGen allele CA6546108.